The following is an entry in ClinVar:

ClinVar aggregate classification (germline): Uncertain significance (1 of 4 stars; one submission).

Conditions:
Hajdu-Cheney syndrome (HJCYS). Also called: Acroosteolysis dominant type; ACROOSTEOLYSIS WITH OSTEOPOROSIS AND CHANGES IN SKULL AND MANDIBLE; SERPENTINE FIBULA-POLYCYSTIC KIDNEY SYNDROME. Identifiers: Orphanet 955, MedGen C0917715, MONDO:0007057, OMIM 102500.

Submission:

Labcorp Genetics (formerly Invitae), Labcorp
Classification: Uncertain significance for Hajdu-Cheney syndrome. Last evaluated: 2022-02-14. Review status: criteria provided, single submitter. Criteria: Invitae Variant Classification Sherloc (09022015). Collection method: clinical testing. Allele origin: germline.
Comment: This variant has not been reported in the literature in individuals affected with NOTCH2-related conditions. This variant is not present in population databases (gnomAD no frequency). This sequence change replaces serine, which is neutral and polar, with proline, which is neutral and non-polar, at codon 1670 of the NOTCH2 protein (p.Ser1670Pro). Advanced modeling of protein sequence and biophysical properties (such as structural, functional, and spatial information, amino acid conservation, physicochemical variation, residue mobility, and thermodynamic stability) performed at Invitae indicates that this missense variant is not expected to disrupt NOTCH2 protein function. In summary, the available evidence is currently insufficient to determine the role of this variant in disease. Therefore, it has been classified as a Variant of Uncertain Significance.

NM_024408.4(NOTCH2):c.5008T>C (p.Ser1670Pro)

Gene: NOTCH2 (notch receptor 2; minus strand). Cytogenetic location: 1p12.
Variant type: single nucleotide variant.
Coding change: c.5008T>C on transcript NM_024408.4 (MANE Select); coding-DNA position 5008, T replaced by C.
Protein change: p.Ser1670Pro; replaces serine 1670 with proline.
Molecular consequence: missense variant.
Genome position (GRCh38, 1-based): chr1:119,922,441, A>G on the plus strand (T>C on the coding strand, the complement: NOTCH2 is on the minus strand). VCF-style: chr1-119922441-A-G. GRCh37 (hg19) VCF-style: chr1-120465064-A-G.
Other names: short protein forms S1670P.
Identifiers: ClinVar variation 2097702 (VCV002097702.4), dbSNP rs2101154965, ClinGen allele CA341887255.
Genomic context (GRCh38, chr1:119,922,441, plus strand): 5'-GAATGATGACAACAGCAACAGCAAGGAGATAGAGGAGCTGAGTGCGTTCTGGAGTCAGGG[A>G]TTCACCTGAAAGTCCACAGAGACAGGGAAAGTGCTGAATAAAACATTAACCTCTCAATGT-3'
Protein context (NP_077719.2, residues 1660-1680): SYPLVSVVSE[Ser1670Pro]LTPERTQLLY